The following is an entry in ClinVar:

ClinVar aggregate classification (germline): Uncertain significance. Review status: criteria provided, multiple submitters, no conflicts (2 of 4 stars). 2 submissions from 2 submitters: Uncertain significance (2). Last evaluated 2025-06-16.

Conditions:
Distal hereditary motor neuropathy type 2. Identifiers: Orphanet 139525, MedGen C3711384, MeSH C580044, MONDO:0015352.

Allele frequency attached by ClinVar (database versions not stated): ExAC 0.00001; gnomAD exomes 0.00001; gnomAD 0.00002; TOPMed 0.00002; ESP Exome Variant Server 0.00008.
gnomAD v4.1: 15 of 1,600,712 alleles (0.00094%); highest among the groups gnomAD compares: Middle Eastern, 0.017%; no homozygotes.

Submissions (2):

Women's Health and Genetics/Laboratory Corporation of America, LabCorp
Classification: Uncertain significance. Last evaluated: 2025-06-16. Review status: criteria provided, single submitter. Criteria: LabCorp Variant Classification Summary - May 2015. Collection method: clinical testing. Allele origin: germline.
Comment: Variant summary: FBXO38 c.1617C>T (p.Asp539Asp) alters a conserved nucleotide located close to a canonical splice site and therefore could affect mRNA splicing, leading to a significantly altered protein sequence. Several computational tools predict a significant impact on normal splicing: One predict the variant abolishes a canonical 5' splicing donor site. Two predict the variant weakens a canonical 5' donor site. However, these predictions have yet to be confirmed by functional studies. The variant allele was found at a frequency of 1.2e-05 in 250020 control chromosomes. The available data on variant occurrences in the general population are insufficient to allow any conclusion about variant significance. To our knowledge, no occurrence of c.1617C>T in individuals affected with Neuronopathy, distal hereditary motor, type 2D and no experimental evidence demonstrating its impact on protein function have been reported. ClinVar contains an entry for this variant (Variation ID: 2712500). Based on the evidence outlined above, the variant was classified as uncertain significance.

Labcorp Genetics (formerly Invitae), Labcorp
Classification: Uncertain significance for Distal hereditary motor neuropathy type 2. Last evaluated: 2022-11-14. Review status: criteria provided, single submitter. Criteria: Invitae Variant Classification Sherloc (09022015). Collection method: clinical testing. Allele origin: germline.
Comment: This sequence change affects codon 539 of the FBXO38 mRNA. It is a 'silent' change, meaning that it does not change the encoded amino acid sequence of the FBXO38 protein. It affects a nucleotide within the consensus splice site. This variant is present in population databases (rs149341400, gnomAD 0.008%). This variant has not been reported in the literature in individuals affected with FBXO38-related conditions. Algorithms developed to predict the effect of sequence changes on RNA splicing suggest that this variant is not likely to affect RNA splicing. In summary, the available evidence is currently insufficient to determine the role of this variant in disease. Therefore, it has been classified as a Variant of Uncertain Significance.

NM_205836.3(FBXO38):c.1617C>T (p.Asp539=)

Gene: FBXO38 (F-box protein 38; plus strand). Cytogenetic location: 5q32.
Variant type: single nucleotide variant.
Coding change: c.1617C>T on transcript NM_205836.3 (MANE Select); coding-DNA position 1617, C replaced by T.
Protein change: p.Asp539=; no amino-acid change (aspartic acid 539 retained).
Molecular consequence: synonymous variant.
Genome position (GRCh38, 1-based): chr5:148,417,203, C>T. VCF-style: chr5-148417203-C-T. GRCh37 (hg19) VCF-style: chr5-147796766-C-T.
Other names: c.1617C>T, p.Asp539= (NM_001271723.2, NM_030793.5).
Identifiers: ClinVar variation 2712500 (VCV002712500.4), dbSNP rs149341400, ClinGen allele CA3497313.